The following is an entry in ClinVar:

NM_182916.3(TRNT1):c.1056+1G>T

Gene: TRNT1 (tRNA nucleotidyl transferase 1; plus strand). Cytogenetic location: 3p26.2.
Variant type: single nucleotide variant.
Coding change: c.1056+1G>T on transcript NM_182916.3 (MANE Select); the canonical splice donor site of the intron after coding-DNA position 1056, G replaced by T.
Molecular consequence: splice donor variant.
Genome position (GRCh38, 1-based): chr3:3,147,704, G>T. VCF-style: chr3-3147704-G-T. GRCh37 (hg19) VCF-style: chr3-3189388-G-T.
Other names: c.1056+1G>T (NM_001367321.1, NM_001367323.1, NM_001367322.1); c.996+1G>T (NM_001302946.2).
Identifiers: ClinVar variation 2725223 (VCV002725223.5), dbSNP rs369179242, ClinGen allele CA2228856.

ClinVar aggregate classification (germline): Pathogenic/Likely pathogenic. Review status: criteria provided, multiple submitters, no conflicts (2 of 4 stars). 2 submissions from 2 submitters: Pathogenic (1); Likely pathogenic (1). Last evaluated 2026-01-22.

Conditions:
Congenital sideroblastic anemia-B-cell immunodeficiency-periodic fever-developmental delay syndrome. Also called: Sideroblastic anemia with B-cell immunodeficiency, periodic fevers, and developmental delay. Identifiers: Orphanet 369861, MedGen C4015172, MONDO:0014487, OMIM 616084.
Retinitis pigmentosa and erythrocytic microcytosis (RPEM). Identifiers: MedGen C4310776, MONDO:0014850, OMIM 616959.

gnomAD v4.1: 11 of 1,607,778 alleles (0.00068%); highest among the groups gnomAD compares: East Asian, 0.011%; no homozygotes.

Submissions (2):

Labcorp Genetics (formerly Invitae), Labcorp
Classification: Pathogenic for Congenital sideroblastic anemia-B-cell immunodeficiency-periodic fever-developmental delay syndrome. Last evaluated: 2026-01-22. Review status: criteria provided, single submitter. Criteria: Invitae Variant Classification Sherloc (09022015). Collection method: clinical testing. Allele origin: germline.
Comment: This sequence change affects a donor splice site in intron 7 of the TRNT1 gene. While this variant is not anticipated to result in nonsense mediated decay, it likely alters RNA splicing and results in a disrupted protein product. This variant is present in population databases (rs369179242, gnomAD 0.02%). Disruption of this splice site has been observed in individual(s) with clinical features of TRNT1-related conditions (PMID: 36937953). ClinVar contains an entry for this variant (Variation ID: 2725223). Variants that disrupt the consensus splice site are a relatively common cause of aberrant splicing (PMID: 17576681, 9536098). Algorithms developed to predict the effect of sequence changes on RNA splicing suggest that this variant may disrupt the consensus splice site. This variant disrupts a region of the TRNT1 protein in which other variant(s) (p.Ser418Lysfs*9) have been determined to be pathogenic (PMID: 25193871, 26494905, 29358286). This suggests that this is a clinically significant region of the protein, and that variants that disrupt it are likely to be disease-causing. For these reasons, this variant has been classified as Pathogenic.

Juno Genomics, Hangzhou Juno Genomics, Inc
Classification: Likely pathogenic for Retinitis pigmentosa and erythrocytic microcytosis; Congenital sideroblastic anemia-B-cell immunodeficiency-periodic fever-developmental delay syndrome. Review status: criteria provided, single submitter. Criteria: ACMG Guidelines, 2015. Collection method: clinical testing. Allele origin: germline.
Comment: Absent from controls (or at extremely low frequency if recessive) in Genome Aggregation Database.;Null variant in a gene where loss of function (LOF) is a known mechanism of disease.;For recessive disorders, detected in trans with a pathogenic variant.;Co-segregation with disease in multiple affected family members.

Literature cited by the submitters: PubMed 36937953 (cited by Labcorp Genetics (formerly Invitae), Labcorp); PubMed 17576681 (cited by Labcorp Genetics (formerly Invitae), Labcorp); PubMed 9536098 (cited by Labcorp Genetics (formerly Invitae), Labcorp); PubMed 25193871 (cited by Labcorp Genetics (formerly Invitae), Labcorp); PubMed 26494905 (cited by Labcorp Genetics (formerly Invitae), Labcorp); PubMed 29358286 (cited by Labcorp Genetics (formerly Invitae), Labcorp).